The following is an entry in ClinVar:

ClinVar aggregate classification (germline): Uncertain significance (1 of 4 stars; one submission).

Conditions:
Cardiac anomalies - developmental delay - facial dysmorphism syndrome (MRFACD). Also called: MED13L Syndrome; Impaired intellectual development and distinctive facial features with or without cardiac defects. Identifiers: Orphanet 369891, MedGen C5192431, MONDO:0014773, OMIM 616789.

gnomAD v4.1: 1 of 1,613,970 alleles (0.000062%); highest among the groups gnomAD compares: Non-Finnish European, 0.000085%; no homozygotes.

Submission:

Victorian Clinical Genetics Services, Murdoch Childrens Research Institute
Classification: Uncertain significance for Cardiac anomalies - developmental delay - facial dysmorphism syndrome. Last evaluated: 2025-12-18. Review status: criteria provided, single submitter. Criteria: ACMG Guidelines, 2015. Collection method: clinical testing. Allele origin: germline. Affected: yes.
Comment: This variant is classified as VUS-3A. Evidence in support of pathogenic classification: Variant is present in gnomAD <0.001 for a dominant condition (v4: 1 heterozygote(s), 0 homozygote(s)). - Missense variant predicted to be damaging by in silico tool(s) or highly conserved with a major amino acid change; Additional information: Variant is predicted to result in a missense amino acid change from Leu to Arg; This variant is heterozygous; This gene is associated with autosomal dominant disease; This variant has no previous evidence of pathogenicity; No published evidence of segregation with disease has been identified for this variant; No published functional evidence has been identified for this variant; No comparable missense variants have previous evidence for pathogenicity; Variant is not located in an established domain, motif, hotspot or informative constraint region; Loss of function is a known mechanism of disease in this gene and is associated with impaired intellectual development and distinctive facial features with or without cardiac defects (MIM#616789); Variants in this gene are known to have variable expressivity (PMID: 29511999).

Literature cited by the submitters: PubMed 29511999.

NM_015335.5(MED13L):c.1664T>G (p.Leu555Arg)

Gene: MED13L (mediator complex subunit 13L; minus strand). Cytogenetic location: 12q24.21.
Variant type: single nucleotide variant.
Coding change: c.1664T>G on transcript NM_015335.5 (MANE Select); coding-DNA position 1664, T replaced by G.
Protein change: p.Leu555Arg; replaces leucine 555 with arginine.
Molecular consequence: missense variant.
Genome position (GRCh38, 1-based): chr12:116,008,749, A>C on the plus strand (T>G on the coding strand, the complement: MED13L is on the minus strand). VCF-style: chr12-116008749-A-C. GRCh37 (hg19) VCF-style: chr12-116446554-A-C.
Other names: short protein forms L555R.
Identifiers: ClinVar variation 4819061 (VCV004819061.1).
Genomic context (GRCh38, chr12:116,008,749, plus strand): 5'-GATGGTGGGTCCAAACTCTCTGTTTCCTGACCTCGTGGCTGAGGGCTGAGTGTTGGTGGC[A>C]GAGGGGATATAGGGGAATGAGGTGAATCCATAGGATTCAGATTCATTTGCTTGCTTGTAT-3'
Protein context (NP_056150.1, residues 545-565): MDSPHSPISP[Leu555Arg]PPTLSPQPRG